The following is an entry in ClinVar:

ClinVar aggregate classification (germline): Uncertain significance (1 of 4 stars; one submission).

Submission:

Labcorp Genetics (formerly Invitae), Labcorp
Classification: Uncertain significance. Last evaluated: 2022-02-02. Review status: criteria provided, single submitter. Criteria: Invitae Variant Classification Sherloc (09022015). Collection method: clinical testing. Allele origin: germline.
Comment: This sequence change creates a premature translational stop signal (p.Gln775*) in the RINT1 gene. While this is not anticipated to result in nonsense mediated decay, it is expected to disrupt the last 18 amino acid(s) of the RINT1 protein. This variant is not present in population databases (gnomAD no frequency). This variant has not been reported in the literature in individuals affected with RINT1-related conditions. In summary, the available evidence is currently insufficient to determine the role of this variant in disease. Therefore, it has been classified as a Variant of Uncertain Significance. Experimental studies and prediction algorithms are not available or were not evaluated, and the functional significance of this variant is currently unknown.

NM_021930.6(RINT1):c.2323C>T (p.Gln775Ter)

Genes: EFCAB10 (EF-hand calcium binding domain 10; minus strand), RINT1 (RAD50 interactor 1; plus strand). Cytogenetic location: 7q22.3.
Variant type: single nucleotide variant.
Coding change: c.2323C>T on transcript NM_021930.6 (MANE Select); coding-DNA position 2323, C replaced by T.
Protein change: p.Gln775Ter; replaces glutamine 775 with a stop codon.
Molecular consequence: nonsense. On other transcripts: 3 prime UTR variant (2), non-coding transcript variant (1), intron variant (3).
Genome position (GRCh38, 1-based): chr7:105,567,255, C>T. VCF-style: chr7-105567255-C-T. GRCh37 (hg19) VCF-style: chr7-105207702-C-T.
Other names: c.*199G>A (NM_001355527.2, NM_001355529.2); c.2089C>T, p.Gln697Ter (NM_001346599.2); c.1300C>T, p.Gln434Ter (NM_001346600.2, NM_001346603.2); c.1399C>T, p.Gln467Ter (NM_001346601.2); c.360-1808G>A (NM_001355531.2); c.383+212G>A (NM_001355526.2, NM_001355530.2); short protein forms Q434*, Q697*, Q775*, Q467*.
Identifiers: ClinVar variation 1934154 (VCV001934154.5), dbSNP rs2485203669, ClinGen allele CA368815637.